The following is an entry in ClinVar:

ClinVar aggregate classification (germline): Conflicting classifications of pathogenicity. Review status: criteria provided, conflicting classifications (1 of 4 stars). 4 submissions from 4 submitters: Likely pathogenic (2); Uncertain significance (1). 1 of the submissions does not count toward it. Last evaluated 2025-11-07.

Conditions:
CFTR-related disorder (CFTR-RD). Also called: CFTR-related disorders; CFTR-related condition. Identifiers: MedGen C5924204, MONDO:7770004.
Cystic fibrosis (CF). Also called: MUCOVISCIDOSIS. Identifiers: Orphanet 586, MedGen C0010674, MONDO:0009061, OMIM 219700. Disease mechanism: loss of function.

Allele frequency attached by ClinVar (database versions not stated): gnomAD exomes below 0.00001.

Submissions (4):

Natera, Inc.
Classification: Likely pathogenic for CFTR-related disorders. Last evaluated: 2025-11-07. Review status: criteria provided, single submitter. Criteria: Natera Variant Classification Schema (03/2026). Collection method: clinical testing. Allele origin: germline.
Comment: The c.482A>G variant in CFTR is a missense variant predicted to cause substitution of tyrosine to cysteine at amino acid 161. This variant is rare in the general population with a frequency below the threshold expected for the associated phenotype(s). This variant has been observed in one or more individuals affected with the associated recessive disease, as either homozygous or compound heterozygous with a second variant (PMID: 21909392). Functional studies show that this variant may disrupt protein function (PMID: 38388235). A different variant at the same position has been determined to be Pathogenic or Likely Pathogenic. Computational prediction algorithms indicate this variant is likely to affect gene or protein function. Given the available evidence, this variant is classified as Likely Pathogenic.

Women's Health and Genetics/Laboratory Corporation of America, LabCorp
Classification: Likely pathogenic for Cystic fibrosis. Last evaluated: 2025-05-27. Review status: criteria provided, single submitter. Criteria: LabCorp Variant Classification Summary - May 2015. Collection method: clinical testing. Allele origin: germline.
Comment: Variant summary: CFTR c.482A>G (p.Tyr161Cys) results in a non-conservative amino acid change located in the transmembrane domain (IPR011527) of the encoded protein sequence. Algorithms developed to predict the effect of missense changes on protein structure and function all suggest that this variant is likely to be disruptive. The variant allele was found at a frequency of 4e-06 in 247592 control chromosomes. c.482A>G has been observed as a compound heterozygous genotype in an individual with CBAVD (Yuan_2019), and together with F508del in an individual diagnosed with Cystic Fibrosis, but who had indeterminate sweat chloride levels (44 mmol/L) and residual channel function (25-37% of normal controls) determined in native rectal epithelia (Hirtz_2004). A different variant affecting the same codon has been classified as pathogenic by our lab (c.481T>G, p.Tyr161Asp), supporting the critical relevance of codon 161 to CFTR protein function. At least one publication reports experimental evidence evaluating the impact of the current variant on protein function. The most pronounced variant effect resulted in approximately 4% of normal chloride channel conductance relative to wild type (e.g., Bihler_2024). The following publications have been ascertained in the context of this evaluation (PMID: 38388235, 15480987, 30811104). ClinVar contains an entry for this variant (Variation ID: 53967). Based on the evidence outlined above, the variant was classified as likely pathogenic.

Ambry Genetics
Classification: Uncertain significance for Cystic fibrosis. Last evaluated: 2023-11-09. Review status: criteria provided, single submitter. Criteria: Ambry Variant Classification Scheme 2023. Collection method: clinical testing. Allele origin: germline.
Comment: The p.Y161C variant (also known as c.482A>G), located in coding exon 4 of the CFTR gene, results from an A to G substitution at nucleotide position 482. The tyrosine at codon 161 is replaced by cysteine, an amino acid with highly dissimilar properties. This variant was identified in one individual with intermediate sweat chloride levels in conjunction with p.F508del; however, phase and detailed clinical information was not provided (Hirtz S et al. Gastroenterology, 2004 Oct;127:1085-95). In a rectal biopsy of an individual with p.Y161C and p.F508del, residual chloride secretion was 37% compared to wild type (Hirtz S et al. Gastroenterology, 2004 Oct;127:1085-95; Roth EK et al. PLoS One, 2011 Aug;6:e24445). This amino acid position is highly conserved in available vertebrate species. In addition, this alteration is predicted to be deleterious by in silico analysis. Since supporting evidence is limited at this time, the clinical significance of this alteration remains unclear.

ClinVar Staff, National Center for Biotechnology Information (NCBI)
No classification provided. Condition: CFTR-related disorders. Review status: no classification provided. Collection method: literature only. Allele origin: germline. Affected: yes. Not counted in ClinVar's aggregate classification.

Literature cited by the submitters: PubMed 21909392 (cited by Natera, Inc. and Ambry Genetics); PubMed 38388235 (cited by Natera, Inc. and Women's Health and Genetics/Laboratory Corporation of America, LabCorp); PubMed 15480987 (cited by 3 submitters); PubMed 30811104 (cited by Women's Health and Genetics/Laboratory Corporation of America, LabCorp and Ambry Genetics).

NM_000492.4(CFTR):c.482A>G (p.Tyr161Cys)

Gene: CFTR (CF transmembrane conductance regulator; plus strand). Cytogenetic location: 7q31.2.
Variant type: single nucleotide variant.
Coding change: c.482A>G on transcript NM_000492.4 (MANE Select); coding-DNA position 482, A replaced by G.
Protein change: p.Tyr161Cys; replaces tyrosine 161 with cysteine.
Molecular consequence: missense variant.
Genome position (GRCh38, 1-based): chr7:117,531,107, A>G. VCF-style: chr7-117531107-A-G. GRCh37 (hg19) VCF-style: chr7-117171161-A-G.
Other names: short protein forms Y161C.
Identifiers: ClinVar variation 53967 (VCV000053967.6), dbSNP rs397508730, ClinGen allele CA327523.